The following is an entry in ClinVar:

ClinVar aggregate classification (germline): Uncertain significance (1 of 4 stars; one submission).

Conditions:
EGFR-related lung cancer (EGFR). Identifiers: MedGen CN130014.

Submission:

Labcorp Genetics (formerly Invitae), Labcorp
Classification: Uncertain significance for EGFR-related lung cancer. Last evaluated: 2022-06-13. Review status: criteria provided, single submitter. Criteria: Invitae Variant Classification Sherloc (09022015). Collection method: clinical testing. Allele origin: germline.
Comment: This sequence change replaces glycine, which is neutral and non-polar, with valine, which is neutral and non-polar, at codon 109 of the EGFR protein (p.Gly109Val). This variant is not present in population databases (gnomAD no frequency). This variant has not been reported in the literature in individuals affected with EGFR-related conditions. Algorithms developed to predict the effect of missense changes on protein structure and function (SIFT, PolyPhen-2, Align-GVGD) all suggest that this variant is likely to be disruptive. Algorithms developed to predict the effect of sequence changes on RNA splicing suggest that this variant may create or strengthen a splice site. In summary, the available evidence is currently insufficient to determine the role of this variant in disease. Therefore, it has been classified as a Variant of Uncertain Significance.

NM_005228.5(EGFR):c.326G>T (p.Gly109Val)

Gene: EGFR (epidermal growth factor receptor; plus strand). Cytogenetic location: 7p11.2.
Variant type: single nucleotide variant.
Coding change: c.326G>T on transcript NM_005228.5 (MANE Select); coding-DNA position 326, G replaced by T.
Protein change: p.Gly109Val; replaces glycine 109 with valine.
Molecular consequence: missense variant. On other transcripts: intron variant (1).
Genome position (GRCh38, 1-based): chr7:55,143,390, G>T. VCF-style: chr7-55143390-G-T. GRCh37 (hg19) VCF-style: chr7-55211083-G-T.
Other names: c.326G>T, p.Gly109Val (NM_001346897.2, NM_001346898.2, NM_001346899.2 and 3 more transcripts); c.167G>T, p.Gly56Val (NM_001346900.2); c.89-12440G>T (NM_001346941.2); short protein forms G56V, G109V.
Identifiers: ClinVar variation 1922083 (VCV001922083.5), dbSNP rs145113601, ClinGen allele CA367575795.